The following is an entry in ClinVar:

NM_198253.3(TERT):c.230T>C (p.Leu77Pro)

Genes: TERT (telomerase reverse transcriptase; minus strand), LOC110806263 (TERT 5' regulatory region; plus strand). Cytogenetic location: 5p15.33.
Variant type: single nucleotide variant.
Coding change: c.230T>C on transcript NM_198253.3 (MANE Select); coding-DNA position 230, T replaced by C.
Protein change: p.Leu77Pro; replaces leucine 77 with proline.
Molecular consequence: missense variant. On other transcripts: non-coding transcript variant (2).
Genome position (GRCh38, 1-based): chr5:1,294,656, A>G on the plus strand (T>C on the coding strand, the complement: TERT is on the minus strand). VCF-style: chr5-1294656-A-G. GRCh37 (hg19) VCF-style: chr5-1294771-A-G.
Other names: p.Leu77Pro; c.230T>C, p.Leu77Pro (NM_001193376.3); short protein forms L77P.
Identifiers: ClinVar variation 916671 (VCV000916671.76), dbSNP rs1751271544, ClinGen allele CA359058709.

ClinVar aggregate classification (germline): Conflicting classifications of pathogenicity. Review status: criteria provided, conflicting classifications (1 of 4 stars). 4 submissions from 4 submitters: Likely pathogenic (2); Uncertain significance (1). 1 of the submissions does not count toward it. Last evaluated 2022-10-27.

Conditions:
Pulmonary fibrosis. Identifiers: MedGen C0034069, MONDO:0002771, HP:0002206.
Abnormal pulmonary interstitial morphology. Also called: Interstitial lung disease; Interstitial pulmonary abnormality. Identifiers: Orphanet 182095, MedGen C5441745, MeSH D017563, MONDO:0015925, HP:0006530.
Dyskeratosis congenita, autosomal dominant 2. Identifiers: MedGen C3151443, MONDO:0013521, OMIM 613989.
Idiopathic Pulmonary Fibrosis. Also called: Idiopathic fibrosing alveolitis, chronic form; idiopathic fibrosing alveolitis. Identifiers: Orphanet 2032, MedGen C1800706, MeSH D054990, MONDO:0800504.

Allele frequency attached by ClinVar (database versions not stated): gnomAD exomes below 0.00001.
gnomAD v4.1: 1 of 1,595,452 alleles (0.000063%); highest among the groups gnomAD compares: Non-Finnish European, 0.000085%; no homozygotes.

Submissions (4):

Labcorp Genetics (formerly Invitae), Labcorp
Classification: Uncertain significance for Dyskeratosis congenita, autosomal dominant 2; Idiopathic Pulmonary Fibrosis. Last evaluated: 2022-10-27. Review status: criteria provided, single submitter. Criteria: Invitae Variant Classification Sherloc (09022015). Collection method: clinical testing. Allele origin: germline.
Comment: In summary, the available evidence is currently insufficient to determine the role of this variant in disease. Therefore, it has been classified as a Variant of Uncertain Significance. Advanced modeling of protein sequence and biophysical properties (such as structural, functional, and spatial information, amino acid conservation, physicochemical variation, residue mobility, and thermodynamic stability) performed at Invitae indicates that this missense variant is expected to disrupt TERT protein function. ClinVar contains an entry for this variant (Variation ID: 916671). This missense change has been observed in individual(s) with chronic hypersensitivity pneumonitis (PMID: 31268371). This variant is not present in population databases (gnomAD no frequency). This sequence change replaces leucine, which is neutral and non-polar, with proline, which is neutral and non-polar, at codon 77 of the TERT protein (p.Leu77Pro).

Godley laboratory, The University of Chicago
Classification: Likely pathogenic for Abnormal pulmonary interstitial morphology. Last evaluated: 2020-05-17. Review status: criteria provided, single submitter. Criteria: ACMG Guidelines, 2015. Collection method: clinical testing. Allele origin: germline. Inheritance: Autosomal dominant inheritance. Affected: yes. Observed: 1 heterozygote.
Comment: Telomeres were below the 1st percentile in lymphocytes. The following ACMG/AMP criteria were used: PS4_supporting, PM1, PM2, PP2 , PP1.

Genetic Services Laboratory, University of Chicago
Classification: Likely pathogenic. Last evaluated: 2019-07-31. Review status: criteria provided, single submitter. Criteria: ACMG Guidelines, 2015. Collection method: clinical testing. Allele origin: germline. Affected: yes.
Comment: DNA sequence analysis of the TERT gene demonstrated a sequence change, c.230T>C, in exon 2 that results in an amino acid change, p.Leu77Pro. This sequence change does not appear to have been previously described in patients with TERT-related disorders and is absent from large population databases such as ExAC and gnomAD. The p.Leu77Pro change affects a moderately conserved amino acid residue located in the telomerase essential N-terminal (TEN) domain of the TERT protein, which is known to be functional. In-silico pathogenicity prediction tools (SIFT, PolyPhen2, Align GVGD, REVEL) provide contradictory results for the p.Leu77Pro substitution. Targeted sequence analysis of additional members of an internal patient?s family identified that this sequence change segregates with interstitial lung disease and shortened telomeres in this family. These evidences are indicative that this sequence change is likely pathogenic; however, functional studies have not been completed to prove this conclusively.

Garcia Pulmonary Genetics Research Laboratory, Columbia University Irving Medical Center
Classification: Likely risk allele for Pulmonary fibrosis. Last evaluated: 2022-06-09. Review status: no assertion criteria provided. Collection method: research. Allele origin: germline. Affected: yes. Not counted in ClinVar's aggregate classification.

Literature cited by the submitters: PubMed 31268371 (cited by Labcorp Genetics (formerly Invitae), Labcorp).